The following is an entry in ClinVar:

ClinVar aggregate classification (germline): Likely pathogenic (1 of 4 stars; one submission).

Submission:

Ambry Genetics
Classification: Likely pathogenic. Last evaluated: 2025-10-30. Review status: criteria provided, single submitter. Criteria: Ambry Variant Classification Scheme 2023. Collection method: clinical testing. Allele origin: germline.
Comment: The c.5858G>T (p.G1953V) alteration is located in exon 9 (coding exon 8) of the ZFHX3 gene. This alteration results from a G to T substitution at nucleotide position 5858, causing the glycine (G) at amino acid position 1953 to be replaced by a valine (V). This variant was not reported in population-based cohorts in the Genome Aggregation Database (gnomAD). This amino acid position is highly conserved in available vertebrate species. This alteration is predicted to be deleterious by in silico analysis. Based on the available evidence, this alteration is classified as likely pathogenic.

NM_006885.4(ZFHX3):c.5858G>T (p.Gly1953Val)

Genes: ZFHX3 (zinc finger homeobox 3; minus strand), ZFHX3-AS1 (ZFHX3 antisense RNA 1; plus strand). Cytogenetic location: 16q22.2.
Variant type: single nucleotide variant.
Coding change: c.5858G>T on transcript NM_006885.4 (MANE Select); coding-DNA position 5858, G replaced by T.
Protein change: p.Gly1953Val; replaces glycine 1953 with valine.
Molecular consequence: missense variant.
Genome position (GRCh38, 1-based): chr16:72,796,824, C>A on the plus strand (G>T on the coding strand, the complement: ZFHX3 is on the minus strand). VCF-style: chr16-72796824-C-A. GRCh37 (hg19) VCF-style: chr16-72830723-C-A.
Other names: c.3116G>T, p.Gly1039Val (NM_001164766.2); c.5858G>T, p.Gly1953Val (NM_001386735.1); short protein forms G1039V, G1953V.
Identifiers: ClinVar variation 2536717 (VCV002536717.3), dbSNP rs2143439832, ClinGen allele CA396731797.
Genomic context (GRCh38, chr16:72,796,824, plus strand): 5'-TTCCCATTCTTTTTCTGCACCTTCTGCTTGTTCTCATTATACTGGATGACCAACTCAAAG[C>A]CAAAGTTCTCCAGCAGGGCCTTGGTGGCGTTCCCTCTGGCATCTGAAGCAATGCGTGGAG-3'
Protein context (NP_008816.3, residues 1943-1963): NATKALLENF[Gly1953Val]FELVIQYNEN